The following is an entry in ClinVar:

NM_017849.4(TMEM127):c.177C>G (p.Gly59=)

Gene: TMEM127 (transmembrane protein 127; minus strand). Cytogenetic location: 2q11.2.
Variant type: single nucleotide variant.
Coding change: c.177C>G on transcript NM_017849.4 (MANE Select); coding-DNA position 177, C replaced by G.
Protein change: p.Gly59=; no amino-acid change (glycine 59 retained).
Molecular consequence: synonymous variant. On other transcripts: intron variant (1).
Genome position (GRCh38, 1-based): chr2:96,265,205, G>C on the plus strand (C>G on the coding strand, the complement: TMEM127 is on the minus strand). VCF-style: chr2-96265205-G-C. GRCh37 (hg19) VCF-style: chr2-96930943-G-C.
Other names: c.177C>G, p.Gly59= (NM_001193304.3); c.-9+664C>G (NM_001407283.1).
Identifiers: ClinVar variation 3572278 (VCV003572278.2).
Genomic context (GRCh38, chr2:96,265,205, plus strand): 5'-CAGGTCCGGGTGCACATAGCCCAACACGTCGGAGACCCCCAGCTCCTGGCGCGAACAGGT[G>C]CCTCCGTGGATGTGCAACCAGGCGGGCTCGGCGAGGGCAGTGCACAGCGCCGTGATAGAC-3'
Protein context (NP_060319.1, residues 49-69): AEPAWLHIHG[Gly59=]TCSRQELGVS

ClinVar aggregate classification (germline): Conflicting classifications of pathogenicity. Review status: criteria provided, conflicting classifications (1 of 4 stars). 2 submissions from 2 submitters: Uncertain significance (1); Likely benign (1). Last evaluated 2025-09-20.

Conditions:
Hereditary pheochromocytoma and paraganglioma. Also called: Hereditary Paraganglioma-Pheochromocytoma Syndromes; Hereditary pheochromocytoma-paraganglioma; Hereditary paragangliomas and pheochromocytomas. Identifiers: Orphanet 29072, MedGen C4274332, MONDO:0017366.

Submissions (2):

Labcorp Genetics (formerly Invitae), Labcorp
Classification: Likely benign for Hereditary pheochromocytoma and paraganglioma. Last evaluated: 2025-09-20. Review status: criteria provided, single submitter. Criteria: Invitae Variant Classification Sherloc (09022015). Collection method: clinical testing. Allele origin: germline.

Quest Diagnostics Nichols Institute San Juan Capistrano
Classification: Uncertain significance. Last evaluated: 2023-10-31. Review status: criteria provided, single submitter. Criteria: Quest Diagnostics criteria. Collection method: clinical testing. Allele origin: unknown.
Comment: The TMEM127 c.177C>G (p.Gly59=) synonymous variant has not been reported in individuals with TMEM127-related conditions in the published literature. It also has not been reported in large, multi-ethnic general populations (Genome Aggregation Database). Analysis of this variant using software algorithms for the prediction of the effect of nucleotide changes on splicing yielded predictions that this variant does not affect TMEM127 mRNA splicing. Based on the available information, we are unable to determine the clinical significance of this variant.